The following is an entry in ClinVar:

ClinVar aggregate classification (germline): Uncertain significance. Review status: criteria provided, multiple submitters, no conflicts (2 of 4 stars). 2 submissions from 2 submitters: Uncertain significance (2). Last evaluated 2024-03-06.

Conditions:
Hereditary cancer-predisposing syndrome. Also called: Tumor predisposition; Neoplastic Syndromes, Hereditary; Hereditary neoplastic syndrome; Hereditary Cancer Syndrome. Identifiers: Orphanet 140162, MedGen C0027672, MeSH D009386, MONDO:0015356.

Submissions (2):

Color Diagnostics, LLC DBA Color Health
Classification: Uncertain significance for Hereditary cancer-predisposing syndrome. Last evaluated: 2024-03-06. Review status: criteria provided, single submitter. Criteria: ACMG Guidelines, 2015. Collection method: clinical testing. Allele origin: germline.
Comment: This missense variant replaces valine with isoleucine at codon 750 of the PALB2 protein. Computational prediction suggests that this variant may not impact protein structure and function (internally defined REVEL score threshold <= 0.5, PMID: 27666373). To our knowledge, functional studies have not been reported for this variant. This variant has not been reported in individuals affected with hereditary cancer in the literature. This variant has not been identified in the general population by the Genome Aggregation Database (gnomAD). The available evidence is insufficient to determine the role of this variant in disease conclusively. Therefore, this variant is classified as a Variant of Uncertain Significance.

Ambry Genetics
Classification: Uncertain significance for Hereditary cancer-predisposing syndrome. Last evaluated: 2022-05-11. Review status: criteria provided, single submitter. Criteria: Ambry Variant Classification Scheme 2023. Collection method: clinical testing. Allele origin: germline.
Comment: The p.V750I variant (also known as c.2248G>A), located in coding exon 5 of the PALB2 gene, results from a G to A substitution at nucleotide position 2248. The valine at codon 750 is replaced by isoleucine, an amino acid with highly similar properties. This amino acid position is conserved. In addition, this alteration is predicted to be tolerated by in silico analysis. Since supporting evidence is limited at this time, the clinical significance of this alteration remains unclear.

NM_024675.4(PALB2):c.2248G>A (p.Val750Ile)

Gene: PALB2 (partner and localizer of BRCA2; minus strand). Cytogenetic location: 16p12.2.
Variant type: single nucleotide variant.
Coding change: c.2248G>A on transcript NM_024675.4 (MANE Select); coding-DNA position 2248, G replaced by A.
Protein change: p.Val750Ile; replaces valine 750 with isoleucine.
Molecular consequence: missense variant.
Genome position (GRCh38, 1-based): chr16:23,629,906, C>T on the plus strand (G>A on the coding strand, the complement: PALB2 is on the minus strand). VCF-style: chr16-23629906-C-T. GRCh37 (hg19) VCF-style: chr16-23641227-C-T.
Other names: short protein forms V750I.
Identifiers: ClinVar variation 630481 (VCV000630481.6), dbSNP rs1567217769, ClinGen allele CA395125475.
Genomic context (GRCh38, chr16:23,629,906, plus strand): 5'-CAAGACAGACTGAGTCTTTCAAATGAGCAAGTTGGGGTGTGCAGCAAGTTCGTCCAGCAA[C>T]TTCTGTAGATGCTTTTTCATAGGAGCCTTGAGGGCCAAAGGCTGGAGTAGTACCTAAGAT-3'
Protein context (NP_078951.2, residues 740-760): QGSYEKASTE[Val750Ile]AGRTCCTPQL